The following is an entry in ClinVar:

ClinVar aggregate classification (germline): Pathogenic/Likely pathogenic. Review status: criteria provided, multiple submitters, no conflicts (2 of 4 stars). 8 submissions from 8 submitters: Pathogenic (7); Likely pathogenic (1). Last evaluated 2024-12-24.

Conditions:
Muscular dystrophy-dystroglycanopathy (congenital with impaired intellectual development), type B, 1. Also called: Muscular dystrophy-dystroglycanopathy (congenital with intellectual disability), type B1; MUSCULAR DYSTROPHY, CONGENITAL, POMT1-RELATED. Identifiers: MedGen C5436962, MONDO:0013159, OMIM 613155.
Autosomal recessive limb-girdle muscular dystrophy type 2K. Also called: MUSCULAR DYSTROPHY-DYSTROGLYCANOPATHY (LIMB-GIRDLE), TYPE C, 1; MUSCULAR DYSTROPHY, LIMB-GIRDLE, TYPE 2K. Identifiers: Orphanet 86812, MedGen C1836373, MONDO:0012248, OMIM 609308.
Muscular dystrophy-dystroglycanopathy (congenital with brain and eye anomalies), type A1 (MDDGA1). Also called: COD-MD SYNDROME; Muscular dystrophy-dystroglycanopathy (congenital with brain and eye anomalies), type A, 1; WALKER-WARBURG SYNDROME OR MUSCLE-EYE-BRAIN DISEASE, POMT1-RELATED; Hydrocephalus, agyria and retinal dysplasia; Hard +/- E syndrome; Warburg syndrome. Identifiers: Orphanet 588, Orphanet 899, MedGen C4284790, MONDO:0009364, OMIM 236670.
POMT1-related disorder. Also called: POMT1-related disorders; POMT1-related condition.
Walker-Warburg congenital muscular dystrophy. Also called: Muscular dystrophy-dystroglycanopathy, type A; Walker-Warburg syndrome. Identifiers: Orphanet 899, MedGen C0265221, MONDO:0000171.

Allele frequency attached by ClinVar (database versions not stated): gnomAD exomes 0.00001; gnomAD 0.00001.

Submissions (8):

Labcorp Genetics (formerly Invitae), Labcorp
Classification: Pathogenic for Muscular dystrophy-dystroglycanopathy (congenital with impaired intellectual development), type B, 1; Walker-Warburg congenital muscular dystrophy; Autosomal recessive limb-girdle muscular dystrophy type 2K. Last evaluated: 2024-12-24. Review status: criteria provided, single submitter. Criteria: Invitae Variant Classification Sherloc (09022015). Collection method: clinical testing. Allele origin: germline.
Comment: This sequence change creates a premature translational stop signal (p.Leu421Glufs*12) in the POMT1 gene. It is expected to result in an absent or disrupted protein product. Loss-of-function variants in POMT1 are known to be pathogenic (PMID: 12369018, 15637732, 16575835). This variant is present in population databases (no rsID available, gnomAD 0.007%). This premature translational stop signal has been observed in individuals with Walker-Warburg syndrome (PMID: 17559086, 18752264). ClinVar contains an entry for this variant (Variation ID: 594265). For these reasons, this variant has been classified as Pathogenic.

GeneDx
Classification: Pathogenic. Last evaluated: 2024-05-14. Review status: criteria provided, single submitter. Criteria: GeneDx Variant Classification Process June 2021. Collection method: clinical testing. Allele origin: germline. Affected: yes.
Comment: Frameshift variant predicted to result in protein truncation or nonsense mediated decay in a gene for which loss of function is a known mechanism of disease; Not observed at significant frequency in large population cohorts (gnomAD); This variant is associated with the following publications: (PMID: 24491487, 17559086, 18752264)

Baylor Genetics
Classification: Pathogenic for Muscular dystrophy-dystroglycanopathy (congenital with brain and eye anomalies), type A1. Last evaluated: 2024-03-14. Review status: criteria provided, single submitter. Criteria: ACMG Guidelines, 2015. Collection method: clinical testing. Allele origin: unknown.

Blueprint Genetics
Classification: Likely pathogenic for POMT1-related disorders. Last evaluated: 2023-09-12. Review status: criteria provided, single submitter. Criteria: ACMG Guidelines, 2015. Collection method: clinical testing. Allele origin: germline. Affected: yes. Observed: 4 variant alleles.

Fulgent Genetics
Classification: Pathogenic for Muscular dystrophy-dystroglycanopathy (congenital with brain and eye anomalies), type A1; Autosomal recessive limb-girdle muscular dystrophy type 2K; Muscular dystrophy-dystroglycanopathy (congenital with impaired intellectual development), type B, 1. Last evaluated: 2022-04-12. Review status: criteria provided, single submitter. Criteria: ACMG Guidelines, 2015. Collection method: clinical testing. Allele origin: unknown.

Revvity Omics, Revvity
Classification: Pathogenic. Last evaluated: 2021-08-31. Review status: criteria provided, single submitter. Criteria: ACMG Guidelines, 2015. Collection method: clinical testing. Allele origin: germline.

Eurofins Ntd Llc (ga)
Classification: Pathogenic. Last evaluated: 2017-10-12. Review status: criteria provided, single submitter. Criteria: EGL Classification Definitions 2015. Collection method: clinical testing. Allele origin: germline. Observed: 1 variant allele, 1 heterozygote.

Juno Genomics, Hangzhou Juno Genomics, Inc
Classification: Pathogenic for Muscular dystrophy-dystroglycanopathy (congenital with impaired intellectual development), type B, 1; Muscular dystrophy-dystroglycanopathy (congenital with brain and eye anomalies), type A1; Autosomal recessive limb-girdle muscular dystrophy type 2K. Review status: criteria provided, single submitter. Criteria: ACMG Guidelines, 2015. Collection method: clinical testing. Allele origin: germline. Affected: yes.
Comment: Null variant in a gene where loss of function (LOF) is a known mechanism of disease.;Absent from controls (or at extremely low frequency if recessive) in Genome Aggregation Database, Exome Sequencing Project, 1000 Genomes Project, or Exome Aggregation Consortium.;For recessive disorders, detected in trans with a pathogenic variant.

Literature cited by the submitters: PubMed 12369018 (cited by Labcorp Genetics (formerly Invitae), Labcorp); PubMed 15637732 (cited by Labcorp Genetics (formerly Invitae), Labcorp); PubMed 16575835 (cited by Labcorp Genetics (formerly Invitae), Labcorp); PubMed 17559086 (cited by Labcorp Genetics (formerly Invitae), Labcorp); PubMed 18752264 (cited by Labcorp Genetics (formerly Invitae), Labcorp).

NM_001077365.2(POMT1):c.1195_1196del (p.Leu399fs)

Gene: POMT1 (protein O-mannosyltransferase 1; plus strand). Cytogenetic location: 9q34.13.
Variant type: Deletion.
Coding change: c.1195_1196del on transcript NM_001077365.2 (MANE Select); coding-DNA positions 1195 to 1196, 2 bases deleted (CT; older notation c.1195_1196delCT).
Protein change: p.Leu399fs; shifts the reading frame from leucine 399.
Molecular consequence: frameshift variant. On other transcripts: non-coding transcript variant (10).
Genome position (GRCh38, 1-based): chr9:131,515,445-131,515,446, CT deleted. VCF-style (leftmost placement, unchanged base first): chr9-131515444-CCT-C. GRCh37 (hg19) VCF-style: chr9-134390831-CCT-C.
Other names: c.1033_1034del, p.Leu345fs (NM_001077366.2, NM_001353194.2); c.1195_1196del, p.Leu399fs (NM_001136113.2, NM_001374690.1); c.844_845del, p.Leu282fs (NM_001136114.2, NM_001353195.2, NM_001374691.1 and 2 more transcripts); c.1261_1262del, p.Leu421fs (NM_001353193.2, NM_007171.4); c.1105_1106del, p.Leu369fs (NM_001353196.2); c.1099_1100del, p.Leu367fs (NM_001353197.2, NM_001353198.2); c.910_911del, p.Leu304fs (NM_001353199.2); c.739_740del, p.Leu247fs (NM_001353200.2); and 2 more; short protein forms L282fs, L421fs, L304fs, L367fs, L369fs, L247fs, L345fs, L399fs.
Identifiers: ClinVar variation 594265 (VCV000594265.26), dbSNP rs1564364615, ClinGen allele CA590753118.
Genomic context (GRCh38, chr9:131,515,444, plus strand): 5'-GAGTTCAAGGAATTTTCTGAAATCTCGGTCTTGGTTTTCCAGGCATGATGTTGCAGCCCC[CCT>C]GAGCCCCCATTCACAGGAGGTCTCCTGCTACATTGACTATAACATCTCCATGCCCGCCCA-3'